The following is an entry in ClinVar:

ClinVar aggregate classification (germline): Conflicting classifications of pathogenicity. Review status: criteria provided, conflicting classifications (1 of 4 stars). 10 submissions from 10 submitters: Uncertain significance (5); Likely benign (2). 3 of the submissions do not count toward it. Last evaluated 2026-02-03.

Conditions:
Cardiovascular phenotype. Identifiers: MedGen CN230736.
Dilated cardiomyopathy 1AA (CMD1AA). Also called: CARDIOMYOPATHY, DILATED, 1AA, WITH OR WITHOUT LEFT VENTRICULAR NONCOMPACTION; CARDIOMYOPATHY, FAMILIAL HYPERTROPHIC, 23, WITH OR WITHOUT LEFT VENTRICULAR NONCOMPACTION; Cardiomyopathy, dilated, 1AA, with or without LVNC. Identifiers: Orphanet 154, MedGen C2677338, MONDO:0012808, OMIM 612158.
Primary familial hypertrophic cardiomyopathy (HCM). Identifiers: Orphanet 99739, MedGen C0949658, MeSH D024741, MONDO:0024573. Inheritance: Various modes of inheritance.
Cardiomyopathy (CMYO). Also called: Cardiomyopathies. Identifiers: Orphanet 167848, MedGen C0878544, MONDO:0004994, HP:0001638. Inheritance: Various modes of inheritance.
Hypertrophic cardiomyopathy. Also called: HYPERTROPHIC MYOCARDIOPATHY. Identifiers: Orphanet 217569, MedGen C0007194, MeSH D002312, MONDO:0005045, HP:0001639.

Allele frequency attached by ClinVar (database versions not stated): gnomAD 0.00004 and 0.00005; TOPMed 0.00004; ExAC 0.00005; gnomAD exomes 0.00005; ESP Exome Variant Server 0.00008.
gnomAD v4.1: 85 of 1,614,026 alleles (0.0053%); highest among the groups gnomAD compares: Admixed American, 0.0083%; 1 homozygote.

Submissions (10):

Labcorp Genetics (formerly Invitae), Labcorp
Classification: Likely benign for Primary familial hypertrophic cardiomyopathy; Dilated cardiomyopathy 1AA. Last evaluated: 2026-02-03. Review status: criteria provided, single submitter. Criteria: Invitae Variant Classification Sherloc (09022015). Collection method: clinical testing. Allele origin: germline.

Ambry Genetics
Classification: Uncertain significance for Cardiovascular phenotype. Last evaluated: 2025-08-28. Review status: criteria provided, single submitter. Criteria: Ambry Variant Classification Scheme 2023. Collection method: clinical testing. Allele origin: germline.
Comment: The p.R851H variant (also known as c.2552G>A), located in coding exon 21 of the ACTN2 gene, results from a G to A substitution at nucleotide position 2552. The arginine at codon 851 is replaced by histidine, an amino acid with highly similar properties. This alteration has been detected in a dilated cardiomyopathy cohort and hypertrophic cardiomyopathy cohort; however, details were limited (Mazzarotto F et al. Circulation. 2020 Feb;141(5):387-398; Jaouadi H et al. Front Med (Lausanne), 2024 Oct;11:1480947). This amino acid position is highly conserved in available vertebrate species. In addition, the in silico prediction for this alteration is inconclusive. Since supporting evidence is limited at this time, the clinical significance of this alteration remains unclear.

Blueprint Genetics
Classification: Uncertain significance. Last evaluated: 2024-04-26. Review status: criteria provided, single submitter. Criteria: ACMG Guidelines, 2015. Collection method: clinical testing. Allele origin: germline.

Women's Health and Genetics/Laboratory Corporation of America, LabCorp
Classification: Likely benign. Last evaluated: 2023-09-05. Review status: criteria provided, single submitter. Criteria: LabCorp Variant Classification Summary - May 2015. Collection method: clinical testing. Allele origin: germline.
Comment: Variant summary: ACTN2 c.2552G>A (p.Arg851His) results in a non-conservative amino acid change located in the EF-hand, Ca insensitive domain (IPR014837) of the encoded protein sequence. Four of five in-silico tools predict a damaging effect of the variant on protein function. The variant allele was found at a frequency of 4.8e-05 in 251162 control chromosomes. The observed variant frequency is approximately 2 fold of the estimated maximal expected allele frequency for a pathogenic variant in ACTN2 causing Cardiomyopathy phenotype (2.5e-05), strongly suggesting that the variant is benign. c.2552G>A has been reported in the literature in at least one individual affected with Cardiomyopathy without strong evidence for causality (e.g. Mazzarotto_2020). This report does not provide unequivocal conclusions about association of the variant with Cardiomyopathy. To our knowledge, no experimental evidence demonstrating an impact on protein function has been reported. The following publication have been ascertained in the context of this evaluation (PMID: 31983221). Four submitters have cited clinical-significance assessments for this variant to ClinVar after 2014 and classified as VUS (n=3) and likely benign (n=1). Based on the evidence outlined above, the variant was classified as likely benign.

GeneDx
Classification: Uncertain significance. Last evaluated: 2022-03-23. Review status: criteria provided, single submitter. Criteria: GeneDx Variant Classification Process June 2021. Collection method: clinical testing. Allele origin: germline. Affected: yes.
Comment: Identified in one patient from a DCM cohort, however, patient-specific clinical details were not provided (Mazzarotto et al., 2020); In silico analysis supports that this missense variant has a deleterious effect on protein structure/function; This variant is associated with the following publications: (PMID: 31983221)

CHEO Genetics Diagnostic Laboratory, Children's Hospital of Eastern Ontario
Classification: Uncertain significance for Cardiomyopathy. Last evaluated: 2015-12-07. Review status: criteria provided, single submitter. Criteria: ACMG Guidelines, 2015. Collection method: clinical testing. Allele origin: germline. Study: Canadian Open Genetics Repository.

Biesecker Lab/Clinical Genomics Section, National Institutes of Health
Classification: Uncertain significance. Last evaluated: 2013-06-24. Review status: criteria provided, single submitter. Criteria: Ng et al. (Circ Cardiovasc Genet. 2013). Collection method: research. Allele origin: unknown. Observed: 1 variant allele. Study: ClinSeq.
Comment: The study set was not selected for affection status in relation to any cancer. Pathogenicity categories were based on literature curation. See Pubmed ID:23861362 for details.

Medical sequencing

Clinical Genetics, Academic Medical Center
Classification: Uncertain significance. Review status: no assertion criteria provided. Collection method: clinical testing. Allele origin: germline. Affected: yes. Study: VKGL Data-share Consensus. Not counted in ClinVar's aggregate classification.

Diagnostic Laboratory, Department of Genetics, University Medical Center Groningen
Classification: Uncertain significance. Review status: no assertion criteria provided. Collection method: clinical testing. Allele origin: germline. Affected: yes. Study: VKGL Data-share Consensus. Not counted in ClinVar's aggregate classification.

Zaffran Lab, Genetics of Cardiac Diseases Laboratory, Marseille Medical Genetics
Classification: Uncertain significance for hypertrophic cardiomyopathy. Review status: no assertion criteria provided. Collection method: research. Allele origin: unknown. Affected: yes. Not counted in ClinVar's aggregate classification.

Literature cited by the submitters: PubMed 31983221 (cited by Ambry Genetics and Women's Health and Genetics/Laboratory Corporation of America, LabCorp); PubMed 39554508 (cited by Ambry Genetics).

NM_001103.4(ACTN2):c.2552G>A (p.Arg851His)

Gene: ACTN2 (actinin alpha 2; plus strand). Cytogenetic location: 1q43.
Variant type: single nucleotide variant.
Coding change: c.2552G>A on transcript NM_001103.4 (MANE Select); coding-DNA position 2552, G replaced by A.
Protein change: p.Arg851His; replaces arginine 851 with histidine.
Molecular consequence: missense variant.
Genome position (GRCh38, 1-based): chr1:236,762,486, G>A. VCF-style: chr1-236762486-G-A. GRCh37 (hg19) VCF-style: chr1-236925786-G-A.
Other names: c.2552G>A, p.Arg851His (NM_001278343.2); c.1928G>A, p.Arg643His (NM_001278344.2); short protein forms R851H, R643H.
Identifiers: ClinVar variation 191600 (VCV000191600.25), dbSNP rs201335965, ClinGen allele CA237027.